The following is an entry in ClinVar:

ClinVar aggregate classification (germline): Uncertain significance (1 of 4 stars; one submission).

Conditions:
Hypertrophic cardiomyopathy 14. Identifiers: MedGen C2750467, MONDO:0013197, OMIM 613251.

Allele frequency attached by ClinVar (database versions not stated): gnomAD exomes below 0.00001; gnomAD 0.00001.
gnomAD v4.1: 2 of 1,614,070 alleles (0.00012%); highest among the groups gnomAD compares: Admixed American, 0.0017%; no homozygotes.

Submission:

Labcorp Genetics (formerly Invitae), Labcorp
Classification: Uncertain significance for Hypertrophic cardiomyopathy 14. Last evaluated: 2019-11-27. Review status: criteria provided, single submitter. Criteria: Invitae Variant Classification Sherloc (09022015). Collection method: clinical testing. Allele origin: germline.
Comment: This sequence change replaces valine with methionine at codon 607 of the MYH6 protein (p.Val607Met). The valine residue is weakly conserved and there is a small physicochemical difference between valine and methionine. This variant is not present in population databases (ExAC no frequency). This variant has not been reported in the literature in individuals with MYH6-related conditions. Algorithms developed to predict the effect of missense changes on protein structure and function are either unavailable or do not agree on the potential impact of this missense change (SIFT: "Deleterious"; PolyPhen-2: "Probably Damaging"; Align-GVGD: "Class C0"). In summary, the available evidence is currently insufficient to determine the role of this variant in disease. Therefore, it has been classified as a Variant of Uncertain Significance.

NM_002471.4(MYH6):c.1819G>A (p.Val607Met)

Gene: MYH6 (myosin heavy chain 6; minus strand). Cytogenetic location: 14q11.2.
Variant type: single nucleotide variant.
Coding change: c.1819G>A on transcript NM_002471.4 (MANE Select); coding-DNA position 1819, G replaced by A.
Protein change: p.Val607Met; replaces valine 607 with methionine.
Molecular consequence: missense variant.
Genome position (GRCh38, 1-based): chr14:23,398,800, C>T on the plus strand (G>A on the coding strand, the complement: MYH6 is on the minus strand). VCF-style: chr14-23398800-C-T. GRCh37 (hg19) VCF-style: chr14-23868009-C-T.
Other names: short protein forms V607M.
Identifiers: ClinVar variation 845360 (VCV000845360.9), dbSNP rs1891508709, ClinGen allele CA389019952.